The following is an entry in ClinVar:

NM_206933.4(USH2A):c.7597C>T (p.Pro2533Ser)

Gene: USH2A (usherin; minus strand). Cytogenetic location: 1q41.
Variant type: single nucleotide variant.
Coding change: c.7597C>T on transcript NM_206933.4 (MANE Select); coding-DNA position 7597, C replaced by T.
Protein change: p.Pro2533Ser; replaces proline 2533 with serine.
Molecular consequence: missense variant.
Genome position (GRCh38, 1-based): chr1:215,889,052, G>A on the plus strand (C>T on the coding strand, the complement: USH2A is on the minus strand). VCF-style: chr1-215889052-G-A. GRCh37 (hg19) VCF-style: chr1-216062394-G-A.
Other names: short protein forms P2533S.
Identifiers: ClinVar variation 1917782 (VCV001917782.2), dbSNP rs1665143349, ClinGen allele CA344841935.
Genomic context (GRCh38, chr1:215,889,052, plus strand): 5'-AGGTGACCAACATCATTCTTGACTTCACATCCAGAAGAATCGGAGGAACTACAGGTCCAG[G>A]TTCTGTAAAGTAAAATAAATCCAGAAAGTCAGACCTCTTGGAAATGTCCCACCTCTCCTC-3'
Protein context (NP_996816.3, residues 2523-2543): WIPFMTAEDK[Pro2533Ser]GPVVPPILLD

ClinVar aggregate classification (germline): Uncertain significance (1 of 4 stars; one submission).

Allele frequency attached by ClinVar (database versions not stated): TOPMed below 0.00001.

Submission:

Labcorp Genetics (formerly Invitae), Labcorp
Classification: Uncertain significance. Last evaluated: 2022-08-19. Review status: criteria provided, single submitter. Criteria: Invitae Variant Classification Sherloc (09022015). Collection method: clinical testing. Allele origin: germline.
Comment: This sequence change replaces proline, which is neutral and non-polar, with serine, which is neutral and polar, at codon 2533 of the USH2A protein (p.Pro2533Ser). This variant is not present in population databases (gnomAD no frequency). This variant has not been reported in the literature in individuals affected with USH2A-related conditions. Algorithms developed to predict the effect of missense changes on protein structure and function (SIFT, PolyPhen-2, Align-GVGD) all suggest that this variant is likely to be disruptive. In summary, the available evidence is currently insufficient to determine the role of this variant in disease. Therefore, it has been classified as a Variant of Uncertain Significance.